The following is an entry in ClinVar:

ClinVar aggregate classification (germline): Likely benign (0 of 4 stars; one submission).

Conditions:
SPEN-related disorder. Also called: SPEN-related condition.

Submission:

PreventionGenetics, part of Exact Sciences
Classification: Likely benign for SPEN-related condition. Last evaluated: 2024-09-23. Review status: no assertion criteria provided. Collection method: clinical testing. Allele origin: germline.
Comment: This variant is classified as likely benign based on ACMG/AMP sequence variant interpretation guidelines (Richards et al. 2015 PMID: 25741868, with internal and published modifications).

NM_015001.3(SPEN):c.10859A>G (p.Asn3620Ser)

Gene: SPEN (spen family transcriptional repressor; plus strand). Cytogenetic location: 1p36.13.
Variant type: single nucleotide variant.
Coding change: c.10859A>G on transcript NM_015001.3 (MANE Select); coding-DNA position 10859, A replaced by G.
Protein change: p.Asn3620Ser; replaces asparagine 3620 with serine.
Molecular consequence: missense variant.
Genome position (GRCh38, 1-based): chr1:15,938,872, A>G. VCF-style: chr1-15938872-A-G. GRCh37 (hg19) VCF-style: chr1-16265367-A-G.
Other names: short protein forms N3620S.
Identifiers: ClinVar variation 3351379 (VCV003351379.1).
Genomic context (GRCh38, chr1:15,938,872, plus strand): 5'-TCACTTACCTGCAGGCCAAGCAGGCGGCAGGGATCATCAACGTTCCCAACCCTGGCTCCA[A>G]TCAGGTCGGTTGTCCTGTGTCCTTCCTTCACATGTACACCCACAGGTGGGGCTGATCAGG-3'
Protein context (NP_055816.2, residues 3610-3630): GIINVPNPGS[Asn3620Ser]QPAYVLQIFP